The following is an entry in ClinVar:

ClinVar aggregate classification (germline): Likely benign. Review status: criteria provided, multiple submitters, no conflicts (2 of 4 stars). 4 submissions from 4 submitters: Likely benign (3). 1 of the submissions does not count toward it. Last evaluated 2026-01-28.

Conditions:
LZTFL1-related disorder. Also called: LZTFL1-related condition.

Allele frequency attached by ClinVar (database versions not stated): gnomAD exomes 0.00019 and 0.00049; ExAC 0.00073; 1000 Genomes Project 30x 0.00219; 1000 Genomes Project 0.00220; gnomAD 0.00244 and 0.00267; TOPMed 0.00258; ESP Exome Variant Server 0.00323.
gnomAD v4.1: 648 of 1,614,232 alleles (0.04%); highest among the groups gnomAD compares: African/African-American, 0.82%; 3 homozygotes.

Submissions (4):

Labcorp Genetics (formerly Invitae), Labcorp
Classification: Likely benign. Last evaluated: 2026-01-28. Review status: criteria provided, single submitter. Criteria: Invitae Variant Classification Sherloc (09022015). Collection method: clinical testing. Allele origin: germline.

Blueprint Genetics
Classification: Likely benign. Last evaluated: 2023-11-28. Review status: criteria provided, single submitter. Criteria: ACMG Guidelines, 2015. Collection method: clinical testing. Allele origin: germline.

CeGaT Center for Human Genetics Tuebingen
Classification: Likely benign. Last evaluated: 2021-03-01. Review status: criteria provided, single submitter. Criteria: CeGaT Center For Human Genetics Tuebingen Variant Classification Criteria Version 2. Collection method: clinical testing. Allele origin: germline. Affected: yes. Observed: 2 variant alleles.

PreventionGenetics, part of Exact Sciences
Classification: Benign for LZTFL1-related condition. Last evaluated: 2019-10-18. Review status: no assertion criteria provided. Collection method: clinical testing. Allele origin: germline. Not counted in ClinVar's aggregate classification.
Comment: This variant is classified as benign based on ACMG/AMP sequence variant interpretation guidelines (Richards et al. 2015 PMID: 25741868, with internal and published modifications).

NM_020347.4(LZTFL1):c.685A>G (p.Lys229Glu)

Gene: LZTFL1 (leucine zipper transcription factor like 1; minus strand). Cytogenetic location: 3p21.31.
Variant type: single nucleotide variant.
Coding change: c.685A>G on transcript NM_020347.4 (MANE Select); coding-DNA position 685, A replaced by G.
Protein change: p.Lys229Glu; replaces lysine 229 with glutamic acid.
Molecular consequence: missense variant. On other transcripts: non-coding transcript variant (1).
Genome position (GRCh38, 1-based): chr3:45,828,531, T>C on the plus strand (A>G on the coding strand, the complement: LZTFL1 is on the minus strand). VCF-style: chr3-45828531-T-C. GRCh37 (hg19) VCF-style: chr3-45870023-T-C.
Other names: c.634A>G, p.Lys212Glu (NM_001276378.2, NM_001386451.1); c.673A>G, p.Lys225Glu (NM_001276379.2); c.685A>G, p.Lys229Glu (NM_001386452.1); short protein forms K229E, K212E, K225E.
Identifiers: ClinVar variation 733625 (VCV000733625.45), dbSNP rs77717940, ClinGen allele CA2351878.